The following is an entry in ClinVar:

ClinVar aggregate classification (germline): Likely pathogenic (1 of 4 stars; one submission).

Conditions:
Charcot-Marie-Tooth Neuropathy X. Identifiers: MedGen CN118851.

Submission:

Labcorp Genetics (formerly Invitae), Labcorp
Classification: Likely pathogenic for Charcot-Marie-Tooth Neuropathy X. Last evaluated: 2025-07-28. Review status: criteria provided, single submitter. Criteria: Invitae Variant Classification Sherloc (09022015). Collection method: clinical testing. Allele origin: germline.
Comment: This sequence change replaces isoleucine, which is neutral and non-polar, with asparagine, which is neutral and polar, at codon 71 of the GJB1 protein (p.Ile71Asn). This variant is not present in population databases (gnomAD no frequency). This variant has not been reported in the literature in individuals affected with GJB1-related conditions. ClinVar contains an entry for this variant (Variation ID: 857449). Invitae Evidence Modeling of protein sequence and biophysical properties (such as structural, functional, and spatial information, amino acid conservation, physicochemical variation, residue mobility, and thermodynamic stability) indicates that this missense variant is expected to disrupt GJB1 protein function with a positive predictive value of 95%. This variant disrupts the p.Ile71 amino acid residue in GJB1. Other variant(s) that disrupt this residue have been determined to be pathogenic (PMID: 25595958, 27549087, 34678594; internal data). This suggests that this residue is clinically significant, and that variants that disrupt this residue are likely to be disease-causing. In summary, the currently available evidence indicates that the variant is pathogenic, but additional data are needed to prove that conclusively. Therefore, this variant has been classified as Likely Pathogenic.

Literature cited by the submitters: PubMed 25595958; PubMed 27549087; PubMed 34678594.

NM_000166.6(GJB1):c.212T>A (p.Ile71Asn)

Gene: GJB1 (gap junction protein beta 1; plus strand). Cytogenetic location: Xq13.1.
Variant type: single nucleotide variant.
Coding change: c.212T>A on transcript NM_000166.6 (MANE Select); coding-DNA position 212, T replaced by A.
Protein change: p.Ile71Asn; replaces isoleucine 71 with asparagine.
Molecular consequence: missense variant.
Genome position (GRCh38, 1-based): chrX:71,223,919, T>A. VCF-style: chrX-71223919-T-A. GRCh37 (hg19) VCF-style: chrX-70443769-T-A.
Other names: c.212T>A, p.Ile71Asn (NM_001097642.3); short protein forms I71N.
Identifiers: ClinVar variation 857449 (VCV000857449.7), dbSNP rs1602348932, ClinGen allele CA413501499.